The following is an entry in ClinVar:

NM_001457.4(FLNB):c.5066G>A (p.Arg1689His)

Gene: FLNB (filamin B; plus strand). Cytogenetic location: 3p14.3.
Variant type: single nucleotide variant.
Coding change: c.5066G>A on transcript NM_001457.4 (MANE Select); coding-DNA position 5066, G replaced by A.
Protein change: p.Arg1689His; replaces arginine 1689 with histidine.
Molecular consequence: missense variant.
Genome position (GRCh38, 1-based): chr3:58,138,486, G>A. VCF-style: chr3-58138486-G-A. GRCh37 (hg19) VCF-style: chr3-58124213-G-A.
Other names: c.5159G>A, p.Arg1720His (NM_001164317.2); c.5066G>A, p.Arg1689His (NM_001164318.2, NM_001164319.2); short protein forms R1689H, R1720H.
Identifiers: ClinVar variation 1686707 (VCV001686707.6), dbSNP rs139001404, ClinGen allele CA75461654.

ClinVar aggregate classification (germline): Uncertain significance. Review status: criteria provided, multiple submitters, no conflicts (2 of 4 stars). 2 submissions from 2 submitters: Uncertain significance (2). Last evaluated 2025-06-06.

Allele frequency attached by ClinVar (database versions not stated): gnomAD 0.00001; gnomAD exomes 0.00001; TOPMed 0.00003; ESP Exome Variant Server 0.00008.
gnomAD v4.1: 22 of 1,614,020 alleles (0.0014%); highest among the groups gnomAD compares: Admixed American, 0.0033%; no homozygotes.

Submissions (2):

Labcorp Genetics (formerly Invitae), Labcorp
Classification: Uncertain significance. Last evaluated: 2025-06-06. Review status: criteria provided, single submitter. Criteria: Invitae Variant Classification Sherloc (09022015). Collection method: clinical testing. Allele origin: germline.
Comment: This sequence change replaces arginine, which is basic and polar, with histidine, which is basic and polar, at codon 1689 of the FLNB protein (p.Arg1689His). This variant is not present in population databases (gnomAD no frequency). This variant has not been reported in the literature in individuals affected with FLNB-related conditions. ClinVar contains an entry for this variant (Variation ID: 1686707). Invitae Evidence Modeling of protein sequence and biophysical properties (such as structural, functional, and spatial information, amino acid conservation, physicochemical variation, residue mobility, and thermodynamic stability) has been performed for this missense variant. However, the output from this modeling did not meet the statistical confidence thresholds required to predict the impact of this variant on FLNB protein function. In summary, the available evidence is currently insufficient to determine the role of this variant in disease. Therefore, it has been classified as a Variant of Uncertain Significance.

GeneDx
Classification: Uncertain significance. Last evaluated: 2022-05-20. Review status: criteria provided, single submitter. Criteria: GeneDx Variant Classification Process June 2021. Collection method: clinical testing. Allele origin: germline. Affected: yes.
Comment: Not observed at significant frequency in large population cohorts (gnomAD); In silico analysis supports that this missense variant has a deleterious effect on protein structure/function; Has not been previously published as pathogenic or benign to our knowledge